The following is an entry in ClinVar:

NM_000238.4(KCNH2):c.2263G>A (p.Ala755Thr)

Gene: KCNH2 (potassium voltage-gated channel subfamily H member 2; minus strand). Cytogenetic location: 7q36.1.
Variant type: single nucleotide variant.
Coding change: c.2263G>A on transcript NM_000238.4 (MANE Select); coding-DNA position 2263, G replaced by A.
Protein change: p.Ala755Thr; replaces alanine 755 with threonine.
Molecular consequence: missense variant.
Genome position (GRCh38, 1-based): chr7:150,950,303, C>T on the plus strand (G>A on the coding strand, the complement: KCNH2 is on the minus strand). VCF-style: chr7-150950303-C-T. GRCh37 (hg19) VCF-style: chr7-150647391-C-T.
Other names: p.A755T:GCC>ACC; c.1243G>A, p.Ala415Thr (NM_001204798.2, NM_172057.3); c.1975G>A, p.Ala659Thr (NM_001406753.1, NM_001406756.1); c.2086G>A, p.Ala696Thr (NM_001406755.1); c.1963G>A, p.Ala655Thr (NM_001406757.1); c.2263G>A, p.Ala755Thr (NM_172056.3); short protein forms A415T, A755T, A655T, A696T, A659T.
Identifiers: ClinVar variation 200423 (VCV000200423.5), dbSNP rs794728386, ClinGen allele CA006406.

ClinVar aggregate classification (germline): Conflicting classifications of pathogenicity. Review status: criteria provided, conflicting classifications (1 of 4 stars). 2 submissions from 2 submitters: Likely pathogenic (1); Uncertain significance (1). Last evaluated 2025-08-26.

Conditions:
Cardiac arrhythmia. Also called: Arrhythmia; Cardiac rhythm disease. Identifiers: MedGen C0003811, MONDO:0007263, HP:0011675.

Allele frequency attached by ClinVar (database versions not stated): gnomAD exomes below 0.00001.
gnomAD v4.1: 1 of 1,613,842 alleles (0.000062%); highest among the groups gnomAD compares: Non-Finnish European, 0.000085%; no homozygotes.

Submissions (2):

Color Diagnostics, LLC DBA Color Health
Classification: Uncertain significance for Cardiac arrhythmia. Last evaluated: 2025-08-26. Review status: criteria provided, single submitter. Criteria: ACMG Guidelines, 2015. Collection method: clinical testing. Allele origin: germline.
Comment: This missense variant replaces alanine with threonine at codon 755 of the KCNH2 protein. Computational prediction suggests that this variant may have deleterious impact on protein structure and function. To our knowledge, functional studies have not been reported for this variant. This variant has been reported in 5 related individuals in a family referred for an inherited arrhythmia testing (PMID: 26743238). This variant has not been identified in the general population by the Genome Aggregation Database (gnomAD). The available evidence is insufficient to determine the role of this variant in disease conclusively. Therefore, this variant is classified as a Variant of Uncertain Significance.

GeneDx
Classification: Likely pathogenic. Last evaluated: 2014-04-28. Review status: criteria provided, single submitter. Criteria: GeneDx Variant Classification (06012015). Collection method: clinical testing. Allele origin: germline. Affected: yes.
Comment: p.Ala755Thr (GCC>ACC): c.2263 G>A in exon 9 of the KCNH2 gene (NM_000238.2). The A755T variant that is likely pathogenic was identified in the KCNH2 gene. It has not been published as a mutation, nor has it been reported as a benign polymorphism to our knowledge. The A755T variant was not observed in approximately 6,500 individuals of European and African American ancestry in the NHLBI Exome Sequencing Project, indicating it is not a common benign variant in these populations. The A755T variant is a non-conservative amino acid substitution, which is likely to impact secondary protein structure as these residues differ in polarity, charge, size and/or other properties. This substitution occurs at a position that is conserved across species. In silico analysis predicts this variant is likely damaging to protein structure/function. Missense mutations in nearby residues (G749V, R752Q, R752W, A753S, M756V, K757N, P764L) have been reported in association with LQTS, supporting the functional importance of this region of the protein. Therefore, this variant is a strong candidate for a pathogenic mutation, however the possibility that it is a benign variant cannot be excluded. The variant is found in LQT panel(s).

Literature cited by the submitters: PubMed 26743238 (cited by Color Diagnostics, LLC DBA Color Health).